The following is an entry in ClinVar:

ClinVar aggregate classification (germline): Uncertain significance. Review status: criteria provided, multiple submitters, no conflicts (2 of 4 stars). 2 submissions from 2 submitters: Uncertain significance (2). Last evaluated 2025-08-29.

Conditions:
Inborn genetic diseases. Identifiers: MedGen C0950123, MeSH D030342.

gnomAD v4.1: 11 of 1,612,678 alleles (0.00068%); highest among the groups gnomAD compares: Non-Finnish European, 0.00085%; no homozygotes.

Submissions (2):

Ambry Genetics
Classification: Uncertain significance for Inborn genetic diseases. Last evaluated: 2025-08-29. Review status: criteria provided, single submitter. Criteria: Ambry Variant Classification Scheme 2023. Collection method: clinical testing. Allele origin: germline.

Labcorp Genetics (formerly Invitae), Labcorp
Classification: Uncertain significance. Last evaluated: 2024-04-30. Review status: criteria provided, single submitter. Criteria: Invitae Variant Classification Sherloc (09022015). Collection method: clinical testing. Allele origin: germline.
Comment: This sequence change replaces leucine, which is neutral and non-polar, with phenylalanine, which is neutral and non-polar, at codon 115 of the SLC25A24 protein (p.Leu115Phe). This variant is present in population databases (rs773835317, gnomAD 0.0009%). This variant has not been reported in the literature in individuals affected with SLC25A24-related conditions. Advanced modeling of protein sequence and biophysical properties (such as structural, functional, and spatial information, amino acid conservation, physicochemical variation, residue mobility, and thermodynamic stability) performed at Invitae indicates that this missense variant is not expected to disrupt SLC25A24 protein function with a negative predictive value of 95%. In summary, the available evidence is currently insufficient to determine the role of this variant in disease. Therefore, it has been classified as a Variant of Uncertain Significance.

NM_013386.5(SLC25A24):c.343C>T (p.Leu115Phe)

Gene: SLC25A24 (solute carrier family 25 member 24; minus strand). Cytogenetic location: 1p13.3.
Variant type: single nucleotide variant.
Coding change: c.343C>T on transcript NM_013386.5 (MANE Select); coding-DNA position 343, C replaced by T.
Protein change: p.Leu115Phe; replaces leucine 115 with phenylalanine.
Molecular consequence: missense variant.
Genome position (GRCh38, 1-based): chr1:108,181,996, G>A on the plus strand (C>T on the coding strand, the complement: SLC25A24 is on the minus strand). VCF-style: chr1-108181996-G-A. GRCh37 (hg19) VCF-style: chr1-108724618-G-A.
Other names: c.286C>T, p.Leu96Phe (NM_213651.3); c.343C>T (NM_013386.3); short protein forms L115F, L96F.
Identifiers: ClinVar variation 3605954 (VCV003605954.3).
Genomic context (GRCh38, chr1:108,181,996, plus strand): 5'-CTTACCTTTGAAGAATCAACTCTGCTTGTTGTTCAGAAATAGTCAGACCCAGTGTCTGGA[G>A]AGACTGGACAATTTCTGAAGCCTCAATTTTTCCTTTAAAAAAATAAAAAGGGCAAAAAAT-3'
Protein context (NP_037518.3, residues 105-125): KIEASEIVQS[Leu115Phe]QTLGLTISEQ